The following is an entry in ClinVar:

ClinVar aggregate classification (germline): Conflicting classifications of pathogenicity. Review status: criteria provided, conflicting classifications (1 of 4 stars). 3 submissions from 3 submitters: Uncertain significance (2); Likely benign (1). Last evaluated 2025-10-01.

Allele frequency attached by ClinVar (database versions not stated): TOPMed 0.00003; ExAC 0.00007; gnomAD exomes 0.00007; gnomAD 0.00011; 1000 Genomes Project 30x 0.00016; 1000 Genomes Project 0.00020.
gnomAD v4.1: 130 of 1,614,208 alleles (0.0081%); highest among the groups gnomAD compares: African/African-American, 0.02%; 1 homozygote.

Submissions (3):

Mayo Clinic Laboratories, Mayo Clinic
Classification: Uncertain significance. Last evaluated: 2025-10-01. Review status: criteria provided, single submitter. Criteria: ACMG Guidelines, 2015. Collection method: clinical testing. Allele origin: germline. Observed: 1 variant allele.
Comment: BP4_moderate, PM2_supporting

Blueprint Genetics
Classification: Likely benign. Last evaluated: 2024-08-09. Review status: criteria provided, single submitter. Criteria: ACMG Guidelines, 2015. Collection method: clinical testing. Allele origin: germline.

Labcorp Genetics (formerly Invitae), Labcorp
Classification: Uncertain significance. Last evaluated: 2022-04-20. Review status: criteria provided, single submitter. Criteria: Invitae Variant Classification Sherloc (09022015). Collection method: clinical testing. Allele origin: germline.
Comment: This sequence change replaces phenylalanine, which is neutral and non-polar, with cysteine, which is neutral and slightly polar, at codon 53 of the RMND1 protein (p.Phe53Cys). This variant is present in population databases (rs186417120, gnomAD 0.1%). This variant has not been reported in the literature in individuals affected with RMND1-related conditions. Algorithms developed to predict the effect of missense changes on protein structure and function output the following: SIFT: "Tolerated"; PolyPhen-2: "Benign"; Align-GVGD: "Class C0". The cysteine amino acid residue is found in multiple mammalian species, which suggests that this missense change does not adversely affect protein function. In summary, the available evidence is currently insufficient to determine the role of this variant in disease. Therefore, it has been classified as a Variant of Uncertain Significance.

NM_017909.4(RMND1):c.158T>G (p.Phe53Cys)

Gene: RMND1 (required for meiotic nuclear division 1 homolog; minus strand). Cytogenetic location: 6q25.1.
Variant type: single nucleotide variant.
Coding change: c.158T>G on transcript NM_017909.4 (MANE Select); coding-DNA position 158, T replaced by G.
Protein change: p.Phe53Cys; replaces phenylalanine 53 with cysteine.
Molecular consequence: missense variant. On other transcripts: intron variant (1).
Genome position (GRCh38, 1-based): chr6:151,445,654, A>C on the plus strand (T>G on the coding strand, the complement: RMND1 is on the minus strand). VCF-style: chr6-151445654-A-C. GRCh37 (hg19) VCF-style: chr6-151766789-A-C.
Other names: p.Phe53Cys; c.-7+6362T>G (NM_001271937.2); short protein forms F53C.
Identifiers: ClinVar variation 2060353 (VCV002060353.3), dbSNP rs186417120, ClinGen allele CA4051090.